The following is an entry in ClinVar:

ClinVar aggregate classification (germline): Pathogenic (1 of 4 stars; one submission).

Submission:

Labcorp Genetics (formerly Invitae), Labcorp
Classification: Pathogenic. Last evaluated: 2024-01-24. Review status: criteria provided, single submitter. Criteria: Invitae Variant Classification Sherloc (09022015). Collection method: clinical testing. Allele origin: germline.
Comment: This sequence change creates a premature translational stop signal (p.Arg705Glnfs*4) in the ABCC8 gene. It is expected to result in an absent or disrupted protein product. Loss-of-function variants in ABCC8 are known to be pathogenic (PMID: 20685672, 23345197). This variant is not present in population databases (gnomAD no frequency). This variant has not been reported in the literature in individuals affected with ABCC8-related conditions. For these reasons, this variant has been classified as Pathogenic.

Literature cited by the submitters: PubMed 20685672; PubMed 23345197.

NM_000352.6(ABCC8):c.2114del (p.Arg705fs)

Gene: ABCC8 (ATP binding cassette subfamily C member 8; minus strand). Cytogenetic location: 11p15.1.
Variant type: Deletion.
Coding change: c.2114del on transcript NM_000352.6 (MANE Select); coding-DNA position 2114, one base deleted (G; older notation c.2114delG).
Protein change: p.Arg705fs; shifts the reading frame from arginine 705.
Molecular consequence: frameshift variant. On other transcripts: non-coding transcript variant (1).
Genome position (GRCh38, 1-based): chr11:17,427,869, C deleted on the plus strand (G on the coding strand, the reverse complement: ABCC8 is on the minus strand). VCF-style (leftmost placement, unchanged base first): chr11-17427868-TC-T. GRCh37 (hg19) VCF-style: chr11-17449415-TC-T.
Other names: c.2114del, p.Arg705fs (NM_001287174.3); c.2180del, p.Arg727fs (NM_001351295.2); c.2111del, p.Arg704fs (NM_001351296.2, NM_001351297.2); short protein forms R727fs, R704fs, R705fs.
Identifiers: ClinVar variation 2711006 (VCV002711006.3), dbSNP rs2496662886, ClinGen allele CA2697548442.
Genomic context (GRCh38, chr11:17,427,868, plus strand): 5'-TCTATGTTATTCAGTGGGACATGGGGAGGGGCATGCTGGAGGGGTGGACTGGGCCATACC[TC>T]GGGGGATACGAATGGTGATGTTGGACAGTGTGGGGATTCCATCTGGGGTCCACGTGAAGT-3'